The following is an entry in ClinVar:

ClinVar aggregate classification (germline): Uncertain significance. Review status: criteria provided, multiple submitters, no conflicts (2 of 4 stars). 2 submissions from 2 submitters: Uncertain significance (2). Last evaluated 2024-04-16.

Conditions:
Familial thoracic aortic aneurysm and aortic dissection (TAAD). Also called: Thoracic aortic aneurysms and dissections. Identifiers: Orphanet 91387, MedGen C4707243, MONDO:0019625.

Allele frequency attached by ClinVar (database versions not stated): gnomAD exomes below 0.00001; TOPMed below 0.00001; gnomAD 0.00001.
gnomAD v4.1: 5 of 1,613,952 alleles (0.00031%); highest among the groups gnomAD compares: East Asian, 0.0067%; no homozygotes.

Submissions (2):

All of Us Research Program, National Institutes of Health
Classification: Uncertain significance for Familial thoracic aortic aneurysm and aortic dissection. Last evaluated: 2024-04-16. Review status: criteria provided, single submitter. Criteria: ACMG Guidelines, 2015. Collection method: clinical testing. Allele origin: germline. Inheritance: Autosomal dominant inheritance. Observed: 2 variant alleles, 2 heterozygotes.
Comment: Variant of Uncertain Significance due to insufficient evidence: This missense variant replaces isoleucine with valine at codon 342 of the MYH11 protein. Computational prediction tools and conservation analyses are inconclusive regarding the impact of this variant on the protein function. Computational splicing tools suggest that this variant may not impact RNA splicing. To our knowledge, functional assays have not been performed for this variant nor has this variant been reported in individuals affected with cardiovascular disorders in the literature. This variant has been identified in 2/277174 chromosomes in the general population by the Genome Aggregation Database (gnomAD). Available evidence is insufficient to determine the role of this variant in disease conclusively.

This study involves interpretation of variants in research participants for the purpose of population health screening. Participant phenotype was not available at the time of variant classification. Additional details can be found in publication PMID: 35346344, PMCID: PMC8962531

Color Diagnostics, LLC DBA Color Health
Classification: Uncertain significance for Familial thoracic aortic aneurysm and aortic dissection. Last evaluated: 2023-12-05. Review status: criteria provided, single submitter. Criteria: ACMG Guidelines, 2015. Collection method: clinical testing. Allele origin: germline.
Comment: Variant of Uncertain Significance due to insufficient evidence: This missense variant replaces isoleucine with valine at codon 342 of the MYH11 protein. Computational prediction tools and conservation analyses are inconclusive regarding the impact of this variant on the protein function. Computational splicing tools suggest that this variant may not impact RNA splicing. To our knowledge, functional assays have not been performed for this variant nor has this variant been reported in individuals affected with cardiovascular disorders in the literature. This variant has been identified in 2/277174 chromosomes in the general population by the Genome Aggregation Database (gnomAD). Available evidence is insufficient to determine the role of this variant in disease conclusively.

NM_002474.3(MYH11):c.1003A>G (p.Ile335Val)

Gene: MYH11 (myosin heavy chain 11; minus strand). Cytogenetic location: 16p13.11.
Variant type: single nucleotide variant.
Coding change: c.1003A>G on transcript NM_002474.3 (MANE Select); coding-DNA position 1003, A replaced by G.
Protein change: p.Ile335Val; replaces isoleucine 335 with valine.
Molecular consequence: missense variant.
Genome position (GRCh38, 1-based): chr16:15,771,599, T>C on the plus strand (A>G on the coding strand, the complement: MYH11 is on the minus strand). VCF-style: chr16-15771599-T-C. GRCh37 (hg19) VCF-style: chr16-15865456-T-C.
Other names: c.1024A>G, p.Ile342Val (NM_001040113.2, NM_001040114.2); c.1003A>G, p.Ile335Val (NM_022844.3); short protein forms I342V, I335V.
Identifiers: ClinVar variation 926878 (VCV000926878.7), dbSNP rs1258616305, ClinGen allele CA394867631.